The following is an entry in ClinVar:

NM_001206927.2(DNAH8):c.8852A>G (p.Tyr2951Cys)

Gene: DNAH8 (dynein axonemal heavy chain 8; plus strand). Cytogenetic location: 6p21.2.
Variant type: single nucleotide variant.
Coding change: c.8852A>G on transcript NM_001206927.2 (MANE Select); coding-DNA position 8852, A replaced by G.
Protein change: p.Tyr2951Cys; replaces tyrosine 2951 with cysteine.
Molecular consequence: missense variant.
Genome position (GRCh38, 1-based): chr6:38,896,137, A>G. VCF-style: chr6-38896137-A-G. GRCh37 (hg19) VCF-style: chr6-38863913-A-G.
Other names: c.8201A>G, p.Tyr2734Cys (NM_001371.4); c.8852A>G (NM_001206927.1); short protein forms Y2734C, Y2951C.
Identifiers: ClinVar variation 1408480 (VCV001408480.6), dbSNP rs746640155, ClinGen allele CA3790325.

ClinVar aggregate classification (germline): Uncertain significance. Review status: criteria provided, multiple submitters, no conflicts (2 of 4 stars). 2 submissions from 2 submitters: Uncertain significance (2). Last evaluated 2022-09-26.

Conditions:
Primary ciliary dyskinesia. Also called: Ciliary dyskinesia. Identifiers: Orphanet 244, MedGen C0008780, MONDO:0016575, HP:0012265.

Allele frequency attached by ClinVar (database versions not stated): ExAC 0.00001; gnomAD exomes 0.00001; gnomAD 0.00002 and 0.00004; TOPMed 0.00002.
gnomAD v4.1: 14 of 1,613,660 alleles (0.00087%); highest among the groups gnomAD compares: Non-Finnish European, 0.0012%; no homozygotes.

Submissions (2):

Ambry Genetics
Classification: Uncertain significance. Last evaluated: 2022-09-26. Review status: criteria provided, single submitter. Criteria: Ambry Variant Classification Scheme 2023. Collection method: clinical testing. Allele origin: germline.

Labcorp Genetics (formerly Invitae), Labcorp
Classification: Uncertain significance for Primary ciliary dyskinesia. Last evaluated: 2022-02-05. Review status: criteria provided, single submitter. Criteria: Invitae Variant Classification Sherloc (09022015). Collection method: clinical testing. Allele origin: germline.
Comment: This sequence change replaces tyrosine, which is neutral and polar, with cysteine, which is neutral and slightly polar, at codon 2951 of the DNAH8 protein (p.Tyr2951Cys). This variant is present in population databases (rs746640155, gnomAD 0.003%). This variant has not been reported in the literature in individuals affected with DNAH8-related conditions. Algorithms developed to predict the effect of missense changes on protein structure and function are either unavailable or do not agree on the potential impact of this missense change (SIFT: "Deleterious"; PolyPhen-2: "Not Available"; Align-GVGD: "Class C65"). In summary, the available evidence is currently insufficient to determine the role of this variant in disease. Therefore, it has been classified as a Variant of Uncertain Significance.